The following is an entry in ClinVar:

NM_032153.6(ZIC4):c.503A>T (p.Gln168Leu)

Gene: ZIC4 (Zic family zinc finger 4; minus strand). Cytogenetic location: 3q24.
Variant type: single nucleotide variant.
Coding change: c.503A>T on transcript NM_032153.6 (MANE Select); coding-DNA position 503, A replaced by T.
Protein change: p.Gln168Leu; replaces glutamine 168 with leucine.
Molecular consequence: missense variant. On other transcripts: intron variant (1).
Genome position (GRCh38, 1-based): chr3:147,396,037, T>A on the plus strand (A>T on the coding strand, the complement: ZIC4 is on the minus strand). VCF-style: chr3-147396037-T-A. GRCh37 (hg19) VCF-style: chr3-147113824-T-A.
Other names: c.653A>T, p.Gln218Leu (NM_001168378.1); c.617A>T, p.Gln206Leu (NM_001168379.2); c.71-4791A>T (NM_001243256.2); short protein forms Q218L, Q168L, Q206L.
Identifiers: ClinVar variation 2779117 (VCV002779117.3), dbSNP rs376055510, ClinGen allele CA84569749.

ClinVar aggregate classification (germline): Uncertain significance (1 of 4 stars; one submission).

Allele frequency attached by ClinVar (database versions not stated): gnomAD exomes below 0.00001; TOPMed 0.00003; gnomAD 0.00005; ESP Exome Variant Server 0.00008.
gnomAD v4.1: 14 of 1,614,150 alleles (0.00087%); highest among the groups gnomAD compares: African/African-American, 0.017%; no homozygotes.

Submission:

Labcorp Genetics (formerly Invitae), Labcorp
Classification: Uncertain significance. Last evaluated: 2024-04-05. Review status: criteria provided, single submitter. Criteria: Invitae Variant Classification Sherloc (09022015). Collection method: clinical testing. Allele origin: germline.
Comment: This sequence change replaces glutamine, which is neutral and polar, with leucine, which is neutral and non-polar, at codon 218 of the ZIC4 protein (p.Gln218Leu). This variant is present in population databases (rs376055510, gnomAD 0.007%). This variant has not been reported in the literature in individuals affected with ZIC4-related conditions. An algorithm developed to predict the effect of missense changes on protein structure and function (PolyPhen-2) suggests that this variant is likely to be disruptive. In summary, the available evidence is currently insufficient to determine the role of this variant in disease. Therefore, it has been classified as a Variant of Uncertain Significance.